The following is an entry in ClinVar:

ClinVar aggregate classification (germline): Uncertain significance (1 of 4 stars; one submission).

gnomAD v4.1: 1 of 1,614,074 alleles (0.000062%); highest among the groups gnomAD compares: Non-Finnish European, 0.000085%; no homozygotes.

Submission:

Ambry Genetics
Classification: Uncertain significance. Last evaluated: 2023-12-08. Review status: criteria provided, single submitter. Criteria: Ambry Variant Classification Scheme 2023. Collection method: clinical testing. Allele origin: germline.
Comment: The p.P1817S variant (also known as c.5449C>T), located in coding exon 16 of the POLQ gene, results from a C to T substitution at nucleotide position 5449. The proline at codon 1817 is replaced by serine, an amino acid with similar properties. This amino acid position is conserved. In addition, this alteration is predicted to be tolerated by in silico analysis. Since supporting evidence is limited at this time, the clinical significance of this alteration remains unclear.

NM_199420.4(POLQ):c.5449C>T (p.Pro1817Ser)

Gene: POLQ (DNA polymerase theta; minus strand). Cytogenetic location: 3q13.33.
Variant type: single nucleotide variant.
Coding change: c.5449C>T on transcript NM_199420.4 (MANE Select); coding-DNA position 5449, C replaced by T.
Protein change: p.Pro1817Ser; replaces proline 1817 with serine.
Molecular consequence: missense variant.
Genome position (GRCh38, 1-based): chr3:121,487,482, G>A on the plus strand (C>T on the coding strand, the complement: POLQ is on the minus strand). VCF-style: chr3-121487482-G-A. GRCh37 (hg19) VCF-style: chr3-121206329-G-A.
Other names: short protein forms P1817S.
Identifiers: ClinVar variation 1747582 (VCV001747582.2), dbSNP rs1300743426, ClinGen allele CA354090159.